The following is an entry in ClinVar:

NM_000059.4(BRCA2):c.4735G>A (p.Ala1579Thr)

Gene: BRCA2 (BRCA2 DNA repair associated; plus strand). Cytogenetic location: 13q13.1.
Variant type: single nucleotide variant.
Coding change: c.4735G>A on transcript NM_000059.4 (MANE Select); coding-DNA position 4735, G replaced by A.
Protein change: p.Ala1579Thr; replaces alanine 1579 with threonine.
Molecular consequence: missense variant.
Genome position (GRCh38, 1-based): chr13:32,339,090, G>A. VCF-style: chr13-32339090-G-A. GRCh37 (hg19) VCF-style: chr13-32913227-G-A.
Other names: short protein forms A1579T.
Identifiers: ClinVar variation 652411 (VCV000652411.10), dbSNP rs1566231045, ClinGen allele CA387783036.

ClinVar aggregate classification (germline): Conflicting classifications of pathogenicity. Review status: criteria provided, conflicting classifications (1 of 4 stars). 3 submissions from 3 submitters: Uncertain significance (2); Likely benign (1). Last evaluated 2025-11-10.

Conditions:
Hereditary breast ovarian cancer syndrome. Also called: Breast and ovarian cancer; BRCA1- and BRCA2-Associated Hereditary Breast and Ovarian Cancer; Hereditary breast and ovarian cancer; Hereditary breast and/or ovarian cancer syndrome; Hereditary breast and ovarian cancer syndrome; Hereditary breast and ovarian cancer syndrome (HBOC). Identifiers: Orphanet 145, MedGen C0677776, MeSH D061325, MONDO:0003582. Disease mechanism: loss of function.
Hereditary cancer-predisposing syndrome. Also called: Neoplastic Syndromes, Hereditary; Tumor predisposition; Hereditary Cancer Syndrome; Hereditary neoplastic syndrome. Identifiers: Orphanet 140162, MedGen C0027672, MeSH D009386, MONDO:0015356.

Submissions (3):

Color Diagnostics, LLC DBA Color Health
Classification: Uncertain significance for Hereditary cancer-predisposing syndrome. Last evaluated: 2025-11-10. Review status: criteria provided, single submitter. Criteria: ACMG Guidelines, 2015. Collection method: clinical testing. Allele origin: germline.
Comment: This missense variant replaces alanine with threonine at codon 1579 of the BRCA2 protein. Computational prediction suggests that this variant may not impact protein structure and function. To our knowledge, functional studies have not been reported for this variant. This variant has not been reported in individuals affected with BRCA2-related disorders in the literature. This variant has not been identified in the general population by the Genome Aggregation Database (gnomAD). The available evidence is insufficient to determine the role of this variant in disease conclusively. Therefore, this variant is classified as a Variant of Uncertain Significance.

Labcorp Genetics (formerly Invitae), Labcorp
Classification: Uncertain significance for Hereditary breast ovarian cancer syndrome. Last evaluated: 2024-01-25. Review status: criteria provided, single submitter. Criteria: Invitae Variant Classification Sherloc (09022015). Collection method: clinical testing. Allele origin: germline.
Comment: This sequence change replaces alanine, which is neutral and non-polar, with threonine, which is neutral and polar, at codon 1579 of the BRCA2 protein (p.Ala1579Thr). This variant is not present in population databases (gnomAD no frequency). This variant has not been reported in the literature in individuals affected with BRCA2-related conditions. ClinVar contains an entry for this variant (Variation ID: 652411). Advanced modeling of protein sequence and biophysical properties (such as structural, functional, and spatial information, amino acid conservation, physicochemical variation, residue mobility, and thermodynamic stability) performed at Invitae indicates that this missense variant is not expected to disrupt BRCA2 protein function with a negative predictive value of 95%. In summary, the available evidence is currently insufficient to determine the role of this variant in disease. Therefore, it has been classified as a Variant of Uncertain Significance.

University of Washington Department of Laboratory Medicine, University of Washington
Classification: Likely benign for Hereditary cancer-predisposing syndrome. Last evaluated: 2023-03-23. Review status: criteria provided, single submitter. Criteria: Dines et al. (Genet Med. 2020). Collection method: curation. Allele origin: germline.
Comment: Missense variant in a coldspot region where missense variants are very unlikely to be pathogenic (PMID:31911673).

BRCA2 exon 11 coldspot. Reclassification based on statistical prior probability.